The following is an entry in ClinVar:

NM_001201550.3(CFHR4):c.1465T>C (p.Ser489Pro)

Gene: CFHR4 (complement factor H related 4; plus strand). Cytogenetic location: 1q31.3.
Variant type: single nucleotide variant.
Coding change: c.1465T>C on transcript NM_001201550.3 (MANE Select); coding-DNA position 1465, T replaced by C.
Protein change: p.Ser489Pro; replaces serine 489 with proline.
Molecular consequence: missense variant.
Genome position (GRCh38, 1-based): chr1:196,915,063, T>C. VCF-style: chr1-196915063-T-C. GRCh37 (hg19) VCF-style: chr1-196884193-T-C.
Other names: p.Ser488Pro; c.1462T>C, p.Ser488Pro (NM_001201551.2); c.724T>C, p.Ser242Pro (NM_006684.5); short protein forms S242P, S488P, S489P.
Identifiers: ClinVar variation 4684009 (VCV004684009.1).
Genomic context (GRCh38, chr1:196,915,063, plus strand): 5'-ACCACCTCCTTTCTACTAAAAGTGTATGTGCCACAGTCAAGAGTCGAGTACCAATGCCAG[T>C]CCTACTATGAACTTCAGGGTTCTAATTATGTAACATGTAGTAATGGAGAGTGGTCGGAAC-3'
Protein context (NP_001188479.1, residues 479-499): PQSRVEYQCQ[Ser489Pro]YYELQGSNYV

ClinVar aggregate classification (germline): Likely benign (1 of 4 stars; one submission).

Submission:

Mayo Clinic Laboratories, Mayo Clinic
Classification: Likely benign. Last evaluated: 2025-08-10. Review status: criteria provided, single submitter. Criteria: ACMG Guidelines, 2015. Collection method: clinical testing. Allele origin: germline. Observed: 2 variant alleles.
Comment: BP1, BP4_moderate